The following is an entry in ClinVar:

NM_015335.5(MED13L):c.1396A>C (p.Lys466Gln)

Gene: MED13L (mediator complex subunit 13L; minus strand). Cytogenetic location: 12q24.21.
Variant type: single nucleotide variant.
Coding change: c.1396A>C on transcript NM_015335.5 (MANE Select); coding-DNA position 1396, A replaced by C.
Protein change: p.Lys466Gln; replaces lysine 466 with glutamine.
Molecular consequence: missense variant.
Genome position (GRCh38, 1-based): chr12:116,009,017, T>G on the plus strand (A>C on the coding strand, the complement: MED13L is on the minus strand). VCF-style: chr12-116009017-T-G. GRCh37 (hg19) VCF-style: chr12-116446822-T-G.
Other names: short protein forms K466Q.
Identifiers: ClinVar variation 2094612 (VCV002094612.4), dbSNP rs1566007801, ClinGen allele CA386896759.

ClinVar aggregate classification (germline): Uncertain significance (1 of 4 stars; one submission).

Conditions:
Dextro-looped transposition of the great arteries. Also called: Dextrotransposition of the great arteries. Identifiers: Orphanet 860, MedGen C3531771, MONDO:0019443, OMIM 608808, HP:0031348.

Allele frequency attached by ClinVar (database versions not stated): gnomAD exomes below 0.00001.
gnomAD v4.1: 2 of 1,614,050 alleles (0.00012%); highest among the groups gnomAD compares: Admixed American, 0.0033%; no homozygotes.

Submission:

Labcorp Genetics (formerly Invitae), Labcorp
Classification: Uncertain significance for Dextro-looped transposition of the great arteries. Last evaluated: 2022-02-08. Review status: criteria provided, single submitter. Criteria: Invitae Variant Classification Sherloc (09022015). Collection method: clinical testing. Allele origin: germline.
Comment: This sequence change replaces lysine, which is basic and polar, with glutamine, which is neutral and polar, at codon 466 of the MED13L protein (p.Lys466Gln). This variant is present in population databases (no rsID available, gnomAD 0.006%). This variant has not been reported in the literature in individuals affected with MED13L-related conditions. Advanced modeling of protein sequence and biophysical properties (such as structural, functional, and spatial information, amino acid conservation, physicochemical variation, residue mobility, and thermodynamic stability) performed at Invitae indicates that this missense variant is expected to disrupt MED13L protein function. Algorithms developed to predict the effect of sequence changes on RNA splicing suggest that this variant may create or strengthen a splice site. In summary, the available evidence is currently insufficient to determine the role of this variant in disease. Therefore, it has been classified as a Variant of Uncertain Significance.